The following is an entry in ClinVar:

ClinVar aggregate classification (germline): Uncertain significance. Review status: criteria provided, multiple submitters, no conflicts (2 of 4 stars). 2 submissions from 2 submitters: Uncertain significance (2). Last evaluated 2026-07-02.

Conditions:
Acute myeloid leukemia (AML). Also called: Acute myeloid leukemia, adult; AML adult; Acute non-lymphocytic leukemia; Acute granulocytic leukemia; Leukemia, acute myeloid, somatic; Leukemia, acute myelogenous, somatic. Identifiers: Orphanet 519, MedGen C0023467, MeSH D015470, MONDO:0018874, OMIM 601626, HP:0004808. Disease mechanism: Constitutively activated FLT3.
Inborn genetic diseases. Identifiers: MedGen C0950123, MeSH D030342.

Submissions (2):

Ambry Genetics
Classification: Uncertain significance for Inborn genetic diseases. Last evaluated: 2026-07-02. Review status: criteria provided, single submitter. Criteria: Ambry Variant Classification Scheme 2023. Collection method: clinical testing. Allele origin: germline.
Comment: The p.A66T variant (also known as c.196G>A), located in coding exon 1 of the CEBPA gene, results from a G to A substitution at nucleotide position 196. The alanine at codon 66 is replaced by threonine, an amino acid with similar properties. This amino acid position is conserved. In addition, this alteration is predicted to be tolerated by in silico analysis. Based on the available evidence, the clinical significance of this variant remains unclear.

Labcorp Genetics (formerly Invitae), Labcorp
Classification: Uncertain significance for Acute myeloid leukemia. Last evaluated: 2021-09-14. Review status: criteria provided, single submitter. Criteria: Invitae Variant Classification Sherloc (09022015). Collection method: clinical testing. Allele origin: germline.
Comment: This variant has not been reported in the literature in individuals affected with CEBPA-related conditions. This sequence change replaces alanine with threonine at codon 66 of the CEBPA protein (p.Ala66Thr). The alanine residue is moderately conserved and there is a small physicochemical difference between alanine and threonine. The frequency data for this variant in the population databases is considered unreliable, as metrics indicate insufficient coverage at this position in the ExAC database. Algorithms developed to predict the effect of missense changes on protein structure and function are either unavailable or do not agree on the potential impact of this missense change (SIFT: "Tolerated"; PolyPhen-2: "Probably Damaging"; Align-GVGD: "Class C0"). In summary, the available evidence is currently insufficient to determine the role of this variant in disease. Therefore, it has been classified as a Variant of Uncertain Significance.

NM_004364.5(CEBPA):c.196G>A (p.Ala66Thr)

Gene: CEBPA (CCAAT enhancer binding protein alpha; minus strand). Cytogenetic location: 19q13.11.
Variant type: single nucleotide variant.
Coding change: c.196G>A on transcript NM_004364.5 (MANE Select); coding-DNA position 196, G replaced by A.
Protein change: p.Ala66Thr; replaces alanine 66 with threonine.
Molecular consequence: missense variant. On other transcripts: 5 prime UTR variant (1).
Genome position (GRCh38, 1-based): chr19:33,302,219, C>T on the plus strand (G>A on the coding strand, the complement: CEBPA is on the minus strand). VCF-style: chr19-33302219-C-T. GRCh37 (hg19) VCF-style: chr19-33793125-C-T.
Other names: c.-162G>A (NM_001285829.2); c.301G>A, p.Ala101Thr (NM_001287424.2); c.154G>A, p.Ala52Thr (NM_001287435.2); c.196G>A (NM_004364.3); short protein forms A101T, A52T, A66T.
Identifiers: ClinVar variation 840941 (VCV000840941.9), dbSNP rs1967194734, ClinGen allele CA405275474.
Genomic context (GRCh38, chr19:33,302,219, plus strand): 5'-GGCTGTGCTGGAACAGGTCGGCCAGGAACTCGTCGTTGAAGGCGGCCGGGTCGATGTAGG[C>T]GCTGATGTCGATGGACGTCTCGTGCTCGCAGATGCCGCCCAGCGGCTCCGGGGCGGCAGG-3'
Protein context (NP_004355.2, residues 56-76): CEHETSIDIS[Ala66Thr]YIDPAAFNDE